The following is an entry in ClinVar:

ClinVar aggregate classification (germline): Uncertain significance (1 of 4 stars; one submission).

Submission:

Ambry Genetics
Classification: Uncertain significance. Last evaluated: 2024-11-24. Review status: criteria provided, single submitter. Criteria: Ambry Variant Classification Scheme 2023. Collection method: clinical testing. Allele origin: germline.
Comment: The p.S38C variant (also known as c.113C>G), located in coding exon 1 of the ATRIP gene, results from a C to G substitution at nucleotide position 113. The serine at codon 38 is replaced by cysteine, an amino acid with dissimilar properties. This amino acid position is conserved. In addition, this alteration is predicted to be tolerated by in silico analysis. Based on the available evidence, the clinical significance of this variant remains unclear.

NM_130384.3(ATRIP):c.113C>G (p.Ser38Cys)

Genes: ATRIP (ATR interacting protein; plus strand), ATRIP-TREX1 (ATRIP-TREX1 readthrough; plus strand), LOC129936703 (ATAC-STARR-seq lymphoblastoid silent region 14331; plus strand). Cytogenetic location: 3p21.31.
Variant type: single nucleotide variant.
Coding change: c.113C>G on transcript NM_130384.3 (MANE Select); coding-DNA position 113, C replaced by G.
Protein change: p.Ser38Cys; replaces serine 38 with cysteine.
Molecular consequence: missense variant. On other transcripts: non-coding transcript variant (1), intron variant (1).
Genome position (GRCh38, 1-based): chr3:48,446,958, C>G. VCF-style: chr3-48446958-C-G. GRCh37 (hg19) VCF-style: chr3-48488362-C-G.
Other names: c.113C>G, p.Ser38Cys (NM_032166.4); c.-218+159C>G (NM_001271022.2); short protein forms S38C.
Identifiers: ClinVar variation 3464497 (VCV003464497.1).
Genomic context (GRCh38, chr3:48,446,958, plus strand): 5'-CTCGCCCCGGCCCGCCGCCGGGCACCGGGCACCCCCCGAGCAAGCGGGCCCGGGGCTTCT[C>G]CGCAGCCGCTGCCCCGGACCCTGACGACCCGTTCGGCGCGCATGGGGACTTCACTGCCGA-3'
Protein context (NP_569055.1, residues 28-48): HPPSKRARGF[Ser38Cys]AAAAPDPDDP